The following is an entry in ClinVar:

NM_000218.3(KCNQ1):c.1514+37654C>T

Genes: KCNQ1 (potassium voltage-gated channel subfamily Q member 1; plus strand), KCNQ1OT1 (KCNQ1 opposite strand/antisense transcript 1; minus strand). Cytogenetic location: 11p15.5.
Variant type: single nucleotide variant.
Coding change: c.1514+37654C>T on transcript NM_000218.3 (MANE Select); 37654 bases into the intron after coding-DNA position 1514, C replaced by T.
Molecular consequence: intron variant. On other transcripts: non-coding transcript variant (1).
Genome position (GRCh38, 1-based): chr11:2,699,735, C>T. VCF-style: chr11-2699735-C-T. GRCh37 (hg19) VCF-style: chr11-2720965-C-T.
Other names: c.1244+37654C>T (NM_001406837.1); c.1418+37654C>T (NM_001406836.1); c.974+37654C>T (NM_001406838.1); c.1133+37654C>T (NM_181798.2).
Identifiers: ClinVar variation 4822401 (VCV004822401.4).

ClinVar aggregate classification (germline): Uncertain significance (1 of 4 stars; one submission).

gnomAD v4.1: 8 of 344,510 alleles (0.0023%); highest among the groups gnomAD compares: East Asian, 0.026%; no homozygotes.

Submission:

CeGaT Center for Human Genetics Tuebingen
Classification: Uncertain significance. Last evaluated: 2026-01-01. Review status: criteria provided, single submitter. Criteria: CeGaT Center For Human Genetics Tuebingen Variant Classification Criteria Version 2. Collection method: clinical testing. Allele origin: germline. Affected: yes. Observed: 1 variant allele.
Comment: KCNQ1OT1: PM2